The following is an entry in ClinVar:

ClinVar aggregate classification (germline): Uncertain significance (1 of 4 stars; one submission).

Conditions:
Charcot-Marie-Tooth disease type 2. Also called: Charcot-Marie-Tooth type 2. Identifiers: Orphanet 64746, MedGen C0270914, MONDO:0018993.

gnomAD v4.1: 1 of 1,614,204 alleles (0.000062%); highest among the groups gnomAD compares: Non-Finnish European, 0.000085%; no homozygotes.

Submission:

Labcorp Genetics (formerly Invitae), Labcorp
Classification: Uncertain significance for Charcot-Marie-Tooth disease type 2. Last evaluated: 2021-07-14. Review status: criteria provided, single submitter. Criteria: Invitae Variant Classification Sherloc (09022015). Collection method: clinical testing. Allele origin: germline.
Comment: This sequence change replaces alanine with valine at codon 832 of the AARS protein (p.Ala832Val). The alanine residue is highly conserved and there is a small physicochemical difference between alanine and valine. This variant is not present in population databases (ExAC no frequency). This variant has not been reported in the literature in individuals affected with AARS-related conditions. Algorithms developed to predict the effect of missense changes on protein structure and function are either unavailable or do not agree on the potential impact of this missense change (SIFT: "Deleterious"; PolyPhen-2: "Benign"; Align-GVGD: "Class C0"). In summary, the available evidence is currently insufficient to determine the role of this variant in disease. Therefore, it has been classified as a Variant of Uncertain Significance.

NM_001605.3(AARS1):c.2495C>T (p.Ala832Val)

Gene: AARS1 (alanyl-tRNA synthetase 1; minus strand). Cytogenetic location: 16q22.1.
Variant type: single nucleotide variant.
Coding change: c.2495C>T on transcript NM_001605.3 (MANE Select); coding-DNA position 2495, C replaced by T.
Protein change: p.Ala832Val; replaces alanine 832 with valine.
Molecular consequence: missense variant.
Genome position (GRCh38, 1-based): chr16:70,253,944, G>A on the plus strand (C>T on the coding strand, the complement: AARS1 is on the minus strand). VCF-style: chr16-70253944-G-A. GRCh37 (hg19) VCF-style: chr16-70287847-G-A.
Other names: short protein forms A832V.
Identifiers: ClinVar variation 1682117 (VCV001682117.8), dbSNP rs2152150203, ClinGen allele CA396555226.